The following is an entry in ClinVar:

NM_052813.5(CARD9):c.559A>G (p.Met187Val)

Gene: CARD9 (caspase recruitment domain family member 9; minus strand). Cytogenetic location: 9q34.3.
Variant type: single nucleotide variant.
Coding change: c.559A>G on transcript NM_052813.5 (MANE Select); coding-DNA position 559, A replaced by G.
Protein change: p.Met187Val; replaces methionine 187 with valine.
Molecular consequence: missense variant.
Genome position (GRCh38, 1-based): chr9:136,370,909, T>C on the plus strand (A>G on the coding strand, the complement: CARD9 is on the minus strand). VCF-style: chr9-136370909-T-C. GRCh37 (hg19) VCF-style: chr9-139265361-T-C.
Other names: c.559A>G, p.Met187Val (NM_052814.4); short protein forms M187V.
Identifiers: ClinVar variation 2127348 (VCV002127348.4), dbSNP rs370943995, ClinGen allele CA201614621.
Genomic context (GRCh38, chr9:136,370,909, plus strand): 5'-GCAGGTCACGGTTCCGCATGAGCGCGGCGCCCTTCTCCTCACTCTGGTGCGCCAGGCGCA[T>C]GGCCAGGTCGTAGTTCTCCTCCTTGCAGCGCTTGAGCTCGCGGCTGCCGGCCTCGCACTC-3'
Protein context (NP_434700.2, residues 177-197): RCKEENYDLA[Met187Val]RLAHQSEEKG

ClinVar aggregate classification (germline): Uncertain significance (1 of 4 stars; one submission).

Conditions:
Predisposition to invasive fungal disease due to CARD9 deficiency (IMD103). Also called: Candidiasis, familial, 2, autosomal recessive; CARD9 IMMUNODEFICIENCY; IMMUNODEFICIENCY 103, SUSCEPTIBILITY TO FUNGAL INFECTIONS. Identifiers: Orphanet 457088, MedGen C1859353, MONDO:0008905, OMIM 212050.

Allele frequency attached by ClinVar (database versions not stated): gnomAD exomes below 0.00001; TOPMed below 0.00001; gnomAD 0.00001; ESP Exome Variant Server 0.00008.

Submission:

Labcorp Genetics (formerly Invitae), Labcorp
Classification: Uncertain significance for Predisposition to invasive fungal disease due to CARD9 deficiency. Last evaluated: 2022-08-19. Review status: criteria provided, single submitter. Criteria: Invitae Variant Classification Sherloc (09022015). Collection method: clinical testing. Allele origin: germline.
Comment: This sequence change replaces methionine, which is neutral and non-polar, with valine, which is neutral and non-polar, at codon 187 of the CARD9 protein (p.Met187Val). This variant is not present in population databases (gnomAD no frequency). This variant has not been reported in the literature in individuals affected with CARD9-related conditions. Algorithms developed to predict the effect of missense changes on protein structure and function (SIFT, PolyPhen-2, Align-GVGD) all suggest that this variant is likely to be tolerated. In summary, the available evidence is currently insufficient to determine the role of this variant in disease. Therefore, it has been classified as a Variant of Uncertain Significance.